The following is an entry in ClinVar:

ClinVar aggregate classification (germline): Uncertain significance (1 of 4 stars; one submission).

Conditions:
Dyskeratosis congenita, autosomal dominant 6 (DKCA6). Identifiers: Orphanet 3322, MedGen C4225284, MONDO:0014690, OMIM 616553.

Submission:

Labcorp Genetics (formerly Invitae), Labcorp
Classification: Uncertain significance for Dyskeratosis congenita, autosomal dominant 6. Last evaluated: 2024-09-09. Review status: criteria provided, single submitter. Criteria: Invitae Variant Classification Sherloc (09022015). Collection method: clinical testing. Allele origin: germline.
Comment: This sequence change replaces glutamine, which is neutral and polar, with arginine, which is basic and polar, at codon 192 of the ACD protein (p.Gln192Arg). This variant is not present in population databases (gnomAD no frequency). This variant has not been reported in the literature in individuals affected with ACD-related conditions. Invitae Evidence Modeling of protein sequence and biophysical properties (such as structural, functional, and spatial information, amino acid conservation, physicochemical variation, residue mobility, and thermodynamic stability) indicates that this missense variant is not expected to disrupt ACD protein function with a negative predictive value of 80%. In summary, the available evidence is currently insufficient to determine the role of this variant in disease. Therefore, it has been classified as a Variant of Uncertain Significance.

NM_001082486.2(ACD):c.317A>G (p.Gln106Arg)

Gene: ACD (ACD shelterin complex subunit and telomerase recruitment factor; minus strand). Cytogenetic location: 16q22.1.
Variant type: single nucleotide variant.
Coding change: c.317A>G on transcript NM_001082486.2 (MANE Select); coding-DNA position 317, A replaced by G.
Protein change: p.Gln106Arg; replaces glutamine 106 with arginine.
Molecular consequence: missense variant.
Genome position (GRCh38, 1-based): chr16:67,659,721, T>C on the plus strand (A>G on the coding strand, the complement: ACD is on the minus strand). VCF-style: chr16-67659721-T-C. GRCh37 (hg19) VCF-style: chr16-67693624-T-C.
Other names: c.317A>G, p.Gln106Arg (NM_001410884.1); c.308A>G, p.Gln103Arg (NM_022914.3); short protein forms Q103R, Q106R.
Identifiers: ClinVar variation 3667266 (VCV003667266.2).